The following is an entry in ClinVar:

NM_001122681.2(SH3BP2):c.1005G>T (p.Lys335Asn)

Gene: SH3BP2 (SH3 domain binding protein 2; plus strand). Cytogenetic location: 4p16.3.
Variant type: single nucleotide variant.
Coding change: c.1005G>T on transcript NM_001122681.2 (MANE Select); coding-DNA position 1005, G replaced by T.
Protein change: p.Lys335Asn; replaces lysine 335 with asparagine.
Molecular consequence: missense variant.
Genome position (GRCh38, 1-based): chr4:2,829,911, G>T. VCF-style: chr4-2829911-G-T. GRCh37 (hg19) VCF-style: chr4-2831638-G-T.
Other names: c.1089G>T, p.Lys363Asn (NM_001145855.2); c.1176G>T, p.Lys392Asn (NM_001145856.2); c.1005G>T, p.Lys335Asn (NM_003023.4); short protein forms K363N, K335N, K392N.
Identifiers: ClinVar variation 2179938 (VCV002179938.5), dbSNP rs1409775615, ClinGen allele CA356056746.

ClinVar aggregate classification (germline): Uncertain significance. Review status: criteria provided, multiple submitters, no conflicts (2 of 4 stars). 2 submissions from 2 submitters: Uncertain significance (2). Last evaluated 2025-02-21.

Conditions:
Inborn genetic diseases. Identifiers: MedGen C0950123, MeSH D030342.
Fibrous dysplasia of jaw (CRBM). Also called: Cherubism. Identifiers: Orphanet 184, MedGen C0008029, MONDO:0007315, OMIM 118400.

Allele frequency attached by ClinVar (database versions not stated): TOPMed 0.00004; gnomAD 0.00007.
gnomAD v4.1: 12 of 1,613,772 alleles (0.00074%); highest among the groups gnomAD compares: African/African-American, 0.013%; no homozygotes.

Submissions (2):

Ambry Genetics
Classification: Uncertain significance for Inborn genetic diseases. Last evaluated: 2025-02-21. Review status: criteria provided, single submitter. Criteria: Ambry Variant Classification Scheme 2023. Collection method: clinical testing. Allele origin: germline.

Labcorp Genetics (formerly Invitae), Labcorp
Classification: Uncertain significance for Fibrous dysplasia of jaw. Last evaluated: 2025-02-17. Review status: criteria provided, single submitter. Criteria: Invitae Variant Classification Sherloc (09022015). Collection method: clinical testing. Allele origin: germline.
Comment: This sequence change replaces lysine, which is basic and polar, with asparagine, which is neutral and polar, at codon 335 of the SH3BP2 protein (p.Lys335Asn). This variant is present in population databases (no rsID available, gnomAD 0.02%). This variant has not been reported in the literature in individuals affected with SH3BP2-related conditions. ClinVar contains an entry for this variant (Variation ID: 2179938). Invitae Evidence Modeling of protein sequence and biophysical properties (such as structural, functional, and spatial information, amino acid conservation, physicochemical variation, residue mobility, and thermodynamic stability) indicates that this missense variant is not expected to disrupt SH3BP2 protein function with a negative predictive value of 95%. In summary, the available evidence is currently insufficient to determine the role of this variant in disease. Therefore, it has been classified as a Variant of Uncertain Significance.